The following is an entry in ClinVar:

NM_144991.3(TSPEAR):c.1316C>A (p.Ala439Glu)

Gene: TSPEAR (thrombospondin type laminin G domain and EAR repeats; minus strand). Cytogenetic location: 21q22.3.
Variant type: single nucleotide variant.
Coding change: c.1316C>A on transcript NM_144991.3 (MANE Select); coding-DNA position 1316, C replaced by A.
Protein change: p.Ala439Glu; replaces alanine 439 with glutamic acid.
Molecular consequence: missense variant.
Genome position (GRCh38, 1-based): chr21:44,525,673, G>T on the plus strand (C>A on the coding strand, the complement: TSPEAR is on the minus strand). VCF-style: chr21-44525673-G-T. GRCh37 (hg19) VCF-style: chr21-45945556-G-T.
Other names: c.1112C>A, p.Ala371Glu (NM_001272037.2); short protein forms A371E, A439E.
Identifiers: ClinVar variation 1704068 (VCV001704068.7), dbSNP rs782774422, ClinGen allele CA10056647.
Genomic context (GRCh38, chr21:44,525,673, plus strand): 5'-GAATGGTTGCCTCCCGGTGTGAAGGCCACTCCTGCCCTACCTTCCCGGTGGTTGGCCACC[G>T]CCAGGAAGTGCTCCCCATCCACCTCGAAGGCCTCCCAGTCTCGGGCGCTGTGTGTGGCAA-3'
Protein context (NP_659428.2, residues 429-449): AFEVDGEHFL[Ala439Glu]VANHREGDNH

ClinVar aggregate classification (germline): Uncertain significance. Review status: criteria provided, multiple submitters, no conflicts (2 of 4 stars). 3 submissions from 3 submitters: Uncertain significance (3). Last evaluated 2025-07-06.

Conditions:
Inborn genetic diseases. Identifiers: MedGen C0950123, MeSH D030342.

gnomAD v4.1: 14 of 1,613,952 alleles (0.00087%); highest among the groups gnomAD compares: Admixed American, 0.017%; no homozygotes.

Submissions (3):

GeneDx
Classification: Uncertain significance. Last evaluated: 2025-07-06. Review status: criteria provided, single submitter. Criteria: GeneDx Variant Classification Process June 2021. Collection method: clinical testing. Allele origin: germline. Affected: yes.
Comment: Has not been previously published as pathogenic or benign to our knowledge; In silico analysis supports that this missense variant has a deleterious effect on protein structure/function

Ambry Genetics
Classification: Uncertain significance for Inborn genetic diseases. Last evaluated: 2024-05-23. Review status: criteria provided, single submitter. Criteria: Ambry Variant Classification Scheme 2023. Collection method: clinical testing. Allele origin: germline.

Labcorp Genetics (formerly Invitae), Labcorp
Classification: Uncertain significance. Last evaluated: 2023-06-27. Review status: criteria provided, single submitter. Criteria: Invitae Variant Classification Sherloc (09022015). Collection method: clinical testing. Allele origin: germline.
Comment: In summary, the available evidence is currently insufficient to determine the role of this variant in disease. Therefore, it has been classified as a Variant of Uncertain Significance. Advanced modeling of protein sequence and biophysical properties (such as structural, functional, and spatial information, amino acid conservation, physicochemical variation, residue mobility, and thermodynamic stability) has been performed at Invitae for this missense variant, however the output from this modeling did not meet the statistical confidence thresholds required to predict the impact of this variant on TSPEAR protein function. ClinVar contains an entry for this variant (Variation ID: 1704068). This variant has not been reported in the literature in individuals affected with TSPEAR-related conditions. This variant is present in population databases (rs782774422, gnomAD 0.01%). This sequence change replaces alanine, which is neutral and non-polar, with glutamic acid, which is acidic and polar, at codon 439 of the TSPEAR protein (p.Ala439Glu).